The following is an entry in ClinVar:

ClinVar aggregate classification (germline): Likely benign (1 of 4 stars; one submission).

Allele frequency attached by ClinVar (database versions not stated): gnomAD 0.00006; TOPMed 0.00006.
gnomAD v4.1: 73 of 1,539,876 alleles (0.0047%); highest among the groups gnomAD compares: East Asian, 0.017%; no homozygotes.

Submission:

CeGaT Center for Human Genetics Tuebingen
Classification: Likely benign. Last evaluated: 2023-03-01. Review status: criteria provided, single submitter. Criteria: CeGaT Center For Human Genetics Tuebingen Variant Classification Criteria Version 2. Collection method: clinical testing. Allele origin: germline. Affected: yes. Observed: 1 variant allele.
Comment: C2CD4C: BP4, BP7

NM_001136263.2(C2CD4C):c.984C>T (p.Ala328=)

Gene: C2CD4C (C2 calcium dependent domain containing 4C; minus strand). Cytogenetic location: 19p13.3.
Variant type: single nucleotide variant.
Coding change: c.984C>T on transcript NM_001136263.2 (MANE Select); coding-DNA position 984, C replaced by T.
Protein change: p.Ala328=; no amino-acid change (alanine 328 retained).
Molecular consequence: synonymous variant.
Genome position (GRCh38, 1-based): chr19:407,378, G>A on the plus strand (C>T on the coding strand, the complement: C2CD4C is on the minus strand). VCF-style: chr19-407378-G-A. GRCh37 (hg19) VCF-style: chr19-407378-G-A.
Identifiers: ClinVar variation 2648843 (VCV002648843.24), dbSNP rs933359642, ClinGen allele CA303869099.